The following is an entry in ClinVar:

ClinVar aggregate classification (germline): Uncertain significance (1 of 4 stars; one submission).

Allele frequency attached by ClinVar (database versions not stated): gnomAD exomes below 0.00001.
gnomAD v4.1: 1 of 1,614,246 alleles (0.000062%); highest among the groups gnomAD compares: Non-Finnish European, 0.000085%; no homozygotes.

Submission:

Labcorp Genetics (formerly Invitae), Labcorp
Classification: Uncertain significance. Last evaluated: 2019-11-27. Review status: criteria provided, single submitter. Criteria: Invitae Variant Classification Sherloc (09022015). Collection method: clinical testing. Allele origin: germline.
Comment: In summary, the available evidence is currently insufficient to determine the role of this variant in disease. Therefore, it has been classified as a Variant of Uncertain Significance. Algorithms developed to predict the effect of missense changes on protein structure and function are either unavailable or do not agree on the potential impact of this missense change (SIFT: "Deleterious"; PolyPhen-2: "Benign"; Align-GVGD: "Class C0"). This sequence change replaces isoleucine with valine at codon 1372 of the PRPF8 protein (p.Ile1372Val). The isoleucine residue is highly conserved and there is a small physicochemical difference between isoleucine and valine. This variant is not present in population databases (ExAC no frequency). This variant has not been reported in the literature in individuals with PRPF8-related conditions.

NM_006445.4(PRPF8):c.4114A>G (p.Ile1372Val)

Gene: PRPF8 (pre-mRNA processing factor 8; minus strand). Cytogenetic location: 17p13.3.
Variant type: single nucleotide variant.
Coding change: c.4114A>G on transcript NM_006445.4 (MANE Select); coding-DNA position 4114, A replaced by G.
Protein change: p.Ile1372Val; replaces isoleucine 1372 with valine.
Molecular consequence: missense variant.
Genome position (GRCh38, 1-based): chr17:1,661,699, T>C on the plus strand (A>G on the coding strand, the complement: PRPF8 is on the minus strand). VCF-style: chr17-1661699-T-C. GRCh37 (hg19) VCF-style: chr17-1564993-T-C.
Other names: short protein forms I1372V.
Identifiers: ClinVar variation 841044 (VCV000841044.7), dbSNP rs1911685243, ClinGen allele CA397577904.